The following is an entry in ClinVar:

NM_000395.3(CSF2RB):c.1046A>G (p.Lys349Arg)

Gene: CSF2RB (colony stimulating factor 2 receptor subunit beta; plus strand). Cytogenetic location: 22q12.3.
Variant type: single nucleotide variant.
Coding change: c.1046A>G on transcript NM_000395.3 (MANE Select); coding-DNA position 1046, A replaced by G.
Protein change: p.Lys349Arg; replaces lysine 349 with arginine.
Molecular consequence: missense variant.
Genome position (GRCh38, 1-based): chr22:36,932,798, A>G. VCF-style: chr22-36932798-A-G. GRCh37 (hg19) VCF-style: chr22-37328840-A-G.
Other names: c.1064A>G, p.Lys355Arg (NM_001410827.1); short protein forms K349R, K355R.
Identifiers: ClinVar variation 4745534 (VCV004745534.1).

ClinVar aggregate classification (germline): Uncertain significance (1 of 4 stars; one submission).

Submission:

Labcorp Genetics (formerly Invitae), Labcorp
Classification: Uncertain significance. Last evaluated: 2025-12-01. Review status: criteria provided, single submitter. Criteria: Invitae Variant Classification Sherloc (09022015). Collection method: clinical testing. Allele origin: germline.
Comment: This sequence change replaces lysine, which is basic and polar, with arginine, which is basic and polar, at codon 349 of the CSF2RB protein (p.Lys349Arg). This variant is not present in population databases (gnomAD no frequency). This variant has not been reported in the literature in individuals affected with CSF2RB-related conditions. Invitae Evidence Modeling of protein sequence and biophysical properties (such as structural, functional, and spatial information, amino acid conservation, physicochemical variation, residue mobility, and thermodynamic stability) indicates that this missense variant is not expected to disrupt CSF2RB protein function with a negative predictive value of 80%. In summary, the available evidence is currently insufficient to determine the role of this variant in disease. Therefore, it has been classified as a Variant of Uncertain Significance.